The following is an entry in ClinVar:

NM_032043.3(BRIP1):c.1196_1197dup (p.Asp400fs)

Gene: BRIP1 (BRCA1 interacting DNA helicase 1; minus strand). Cytogenetic location: 17q23.2.
Variant type: Duplication.
Coding change: c.1196_1197dup on transcript NM_032043.3 (MANE Select); coding-DNA positions 1196 to 1197, 2 bases duplicated (AG; older notation c.1196_1197dupAG).
Protein change: p.Asp400fs; shifts the reading frame from aspartic acid 400.
Molecular consequence: frameshift variant.
Genome position (GRCh38, 1-based): chr17:61,799,243-61,799,244, CT duplicated on the plus strand (AG on the coding strand, the reverse complement: BRIP1 is on the minus strand); duplicating any 2 consecutive bases within chr17:61,799,243-61,799,245 gives the same sequence; the c. name uses the placement nearest the transcript's 3' end. VCF-style (leftmost placement, unchanged base first): chr17-61799242-C-CCT. GRCh37 (hg19) VCF-style: chr17-59876603-C-CCT.
Other names: c.1196_1197dupAG (NM_032043.2); short protein forms D400fs.
Identifiers: ClinVar variation 3261798 (VCV003261798.1).

ClinVar aggregate classification (germline): Pathogenic (1 of 4 stars; one submission).

Conditions:
Hereditary cancer-predisposing syndrome. Also called: Hereditary Cancer Syndrome; Tumor predisposition; Hereditary neoplastic syndrome; Neoplastic Syndromes, Hereditary. Identifiers: Orphanet 140162, MedGen C0027672, MeSH D009386, MONDO:0015356.

Submission:

Ambry Genetics
Classification: Pathogenic for Hereditary cancer-predisposing syndrome. Last evaluated: 2024-04-05. Review status: criteria provided, single submitter. Criteria: Ambry Variant Classification Scheme 2023. Collection method: clinical testing. Allele origin: germline.
Comment: The c.1196_1197dupAG pathogenic mutation, located in coding exon 8 of the BRIP1 gene, results from a duplication of AG at nucleotide positions 1196 to 1197, causing a translational frameshift with a predicted alternate stop codon (p.D400Rfs*12). This variant is considered to be rare based on population cohorts in the Genome Aggregation Database (gnomAD). This alteration is expected to result in loss of function by premature protein truncation or nonsense-mediated mRNA decay. As such, this alteration is interpreted as a disease-causing mutation.